The following is an entry in ClinVar:

NM_004963.4(GUCY2C):c.1957C>T (p.Arg653Cys)

Gene: GUCY2C (guanylate cyclase 2C; minus strand). Cytogenetic location: 12p12.3.
Variant type: single nucleotide variant.
Coding change: c.1957C>T on transcript NM_004963.4 (MANE Select); coding-DNA position 1957, C replaced by T.
Protein change: p.Arg653Cys; replaces arginine 653 with cysteine.
Molecular consequence: missense variant.
Genome position (GRCh38, 1-based): chr12:14,641,193, G>A on the plus strand (C>T on the coding strand, the complement: GUCY2C is on the minus strand). VCF-style: chr12-14641193-G-A. GRCh37 (hg19) VCF-style: chr12-14794127-G-A.
Other names: short protein forms R653C.
Identifiers: ClinVar variation 2906401 (VCV002906401.3), dbSNP rs148314105, ClinGen allele CA233193272.

ClinVar aggregate classification (germline): Uncertain significance (1 of 4 stars; one submission).

Allele frequency attached by ClinVar (database versions not stated): TOPMed 0.00003; ESP Exome Variant Server 0.00008.

Submission:

Labcorp Genetics (formerly Invitae), Labcorp
Classification: Uncertain significance. Last evaluated: 2024-12-23. Review status: criteria provided, single submitter. Criteria: Invitae Variant Classification Sherloc (09022015). Collection method: clinical testing. Allele origin: germline.
Comment: This sequence change replaces arginine, which is basic and polar, with cysteine, which is neutral and slightly polar, at codon 653 of the GUCY2C protein (p.Arg653Cys). This variant is present in population databases (rs148314105, gnomAD 0.002%). This variant has not been reported in the literature in individuals affected with GUCY2C-related conditions. ClinVar contains an entry for this variant (Variation ID: 2906401). Invitae Evidence Modeling of protein sequence and biophysical properties (such as structural, functional, and spatial information, amino acid conservation, physicochemical variation, residue mobility, and thermodynamic stability) indicates that this missense variant is expected to disrupt GUCY2C protein function with a positive predictive value of 80%. In summary, the available evidence is currently insufficient to determine the role of this variant in disease. Therefore, it has been classified as a Variant of Uncertain Significance.